The following is an entry in ClinVar:

NM_001267550.2(TTN):c.*130G>C

Genes: TTN (titin; minus strand), TTN-AS1 (TTN antisense RNA 1; plus strand). Cytogenetic location: 2q31.2.
Variant type: single nucleotide variant.
Coding change: c.*130G>C on transcript NM_001267550.2 (MANE Select); 130 bases downstream of the stop codon, G replaced by C.
Molecular consequence: 3 prime UTR variant.
Genome position (GRCh38, 1-based): chr2:178,526,882, C>G on the plus strand (G>C on the coding strand, the complement: TTN is on the minus strand). VCF-style: chr2-178526882-C-G. GRCh37 (hg19) VCF-style: chr2-179391609-C-G.
Other names: c.*130G>C (NM_133378.4, NM_001256850.1, NM_003319.4 and 2 more transcripts).
Identifiers: ClinVar variation 332673 (VCV000332673.5), dbSNP rs144026962, ClinGen allele CA10611999.

ClinVar aggregate classification (germline): Benign/Likely benign. Review status: criteria provided, single submitter (1 of 4 stars). 5 submissions from 1 submitter: Benign (2); Likely benign (3). Last evaluated 2018-01-13.

Conditions:
Tibial muscular dystrophy (TMD). Also called: Udd Distal Myopathy – Tibial Muscular Dystrophy; UDD MYOPATHY; Tibial muscular dystrophy, tardive. Identifiers: Orphanet 609, MedGen C1838244, MONDO:0010870, OMIM 600334.
Myopathy, myofibrillar, 9, with early respiratory failure (MFM9). Also called: Myopathy, distal, with early respiratory failure, autosomal dominant; Hereditary myopathy with early respiratory failure; EDSTROM MYOPATHY; MYOPATHY, PROXIMAL, WITH EARLY RESPIRATORY MUSCLE INVOLVEMENT. Identifiers: Orphanet 178464, Orphanet 34521, MedGen C1863599, MONDO:0011362, OMIM 603689.
Autosomal recessive limb-girdle muscular dystrophy type 2J (LGMDR10). Also called: MUSCULAR DYSTROPHY, LIMB-GIRDLE, AUTOSOMAL RECESSIVE 10; Limb-girdle muscular dystrophy, type 2J. Identifiers: Orphanet 140922, MedGen C1837342, MONDO:0012127, OMIM 608807.
Dilated cardiomyopathy 1G (CMD1G). Identifiers: Orphanet 154, MedGen C1858763, MONDO:0011400, OMIM 604145.
Early-onset myopathy with fatal cardiomyopathy (CMYO5). Also called: CONGENITAL MYOPATHY 5 WITH CARDIOMYOPATHY; Salih Myopathy. Identifiers: Orphanet 289377, MedGen C2673677, MONDO:0012714, OMIM 611705. Disease mechanism: loss of function.

Allele frequency attached by ClinVar (database versions not stated): gnomAD exomes 0.00038; gnomAD 0.00370 and 0.00388; TOPMed 0.00417; 1000 Genomes Project 0.00459; 1000 Genomes Project 30x 0.00515.
gnomAD v4.1: 817 of 791,996 alleles (0.1%); highest among the groups gnomAD compares: African/African-American, 1.3%; 2 homozygotes.

Submissions (5):

Illumina Laboratory Services, Illumina
Classification: Benign for Tibial muscular dystrophy. Last evaluated: 2018-01-13. Review status: criteria provided, single submitter. Criteria: ICSL Variant Classification Criteria 13 December 2019. Collection method: clinical testing. Allele origin: germline.
Comment: This variant was observed in the ICSL laboratory as part of a predisposition screen in an ostensibly healthy population. It had not been previously curated by ICSL or reported in the Human Gene Mutation Database (HGMD: prior to June 1st, 2018), and was therefore a candidate for classification through an automated scoring system. Utilizing variant allele frequency, disease prevalence and penetrance estimates, and inheritance mode, an automated score was calculated to assess if this variant is too frequent to cause the disease. Based on the score and internal cut-off values, a variant classified as benign is not then subjected to further curation. The score for this variant resulted in a classification of benign for this disease.

Illumina Laboratory Services, Illumina
Classification: Likely benign for Dilated cardiomyopathy 1G. Last evaluated: 2018-01-13. Review status: criteria provided, single submitter. Criteria: ICSL Variant Classification Criteria 13 December 2019. Collection method: clinical testing. Allele origin: germline.
Comment: This variant was observed in the ICSL laboratory as part of a predisposition screen in an ostensibly healthy population. It had not been previously curated by ICSL or reported in the Human Gene Mutation Database (HGMD: prior to June 1st, 2018), and was therefore a candidate for classification through an automated scoring system. Utilizing variant allele frequency, disease prevalence and penetrance estimates, and inheritance mode, an automated score was calculated to assess if this variant is too frequent to cause the disease. Based on the score and internal cut-off values, a variant classified as likely benign is not then subjected to further curation. The score for this variant resulted in a classification of likely benign for this disease.

Illumina Laboratory Services, Illumina
Classification: Likely benign for Early-onset myopathy with fatal cardiomyopathy. Last evaluated: 2018-01-13. Review status: criteria provided, single submitter. Criteria: ICSL Variant Classification Criteria 13 December 2019. Collection method: clinical testing. Allele origin: germline.
Comment: the same text as in the submission from Illumina Laboratory Services, Illumina above.

Illumina Laboratory Services, Illumina
Classification: Likely benign for Autosomal recessive limb-girdle muscular dystrophy type 2J. Last evaluated: 2018-01-13. Review status: criteria provided, single submitter. Criteria: ICSL Variant Classification Criteria 13 December 2019. Collection method: clinical testing. Allele origin: germline.
Comment: the same text as in the submission from Illumina Laboratory Services, Illumina above.

Illumina Laboratory Services, Illumina
Classification: Benign for Myopathy, myofibrillar, 9, with early respiratory failure. Last evaluated: 2018-01-13. Review status: criteria provided, single submitter. Criteria: ICSL Variant Classification Criteria 13 December 2019. Collection method: clinical testing. Allele origin: germline.
Comment: the same text as in the submission from Illumina Laboratory Services, Illumina above.